The following is an entry in ClinVar:

ClinVar aggregate classification (germline): Conflicting classifications of pathogenicity. Review status: criteria provided, conflicting classifications (1 of 4 stars). 20 submissions from 20 submitters: Uncertain significance (3); Benign (4); Likely benign (9). 4 of the submissions do not count toward it. Last evaluated 2026-09-01.

Conditions:
POLE-related disorder. Also called: POLE-related disorders; POLE-related condition.
Hereditary cancer. Identifiers: MedGen C1333600.
Colorectal cancer. Also called: Colorectal cancer, somatic; Malignant Colorectal Neoplasm. Identifiers: MedGen C0346629, MONDO:0005575, OMIM 114500.
Hereditary cancer-predisposing syndrome. Also called: Neoplastic Syndromes, Hereditary; Tumor predisposition; Hereditary Cancer Syndrome; Hereditary neoplastic syndrome. Identifiers: Orphanet 140162, MedGen C0027672, MeSH D009386, MONDO:0015356.
Colorectal cancer, susceptibility to, 12 (CRCS12). Also called: COLORECTAL CANCER, SUSCEPTIBILITY TO, ON CHROMOSOME 12q24. Identifiers: Orphanet 220460, MedGen C3554460, MONDO:0014038, OMIM 615083.
Facial dysmorphism-immunodeficiency-livedo-short stature syndrome. Also called: Facial dysmorphism, immunodeficiency, livedo, and short stature; FILS syndrome. Identifiers: Orphanet 352712, MedGen C3554576, MONDO:0014058, OMIM 615139.
Intrauterine growth retardation, metaphyseal dysplasia, adrenal hypoplasia congenita, genital anomalies, and immunodeficiency. Also called: IMAGEI SYNDROME. Identifiers: MedGen C5193036, MONDO:0032684, OMIM 618336.

Allele frequency attached by ClinVar (database versions not stated): 1000 Genomes Project 0.00040; 1000 Genomes Project 30x 0.00047; gnomAD exomes 0.00086 and 0.00139; ExAC 0.00087; ESP Exome Variant Server 0.00092; TOPMed 0.00111; gnomAD 0.00115 and 0.00122.
gnomAD v4.1: 2,175 of 1,614,080 alleles (0.13%); highest among the groups gnomAD compares: Non-Finnish European, 0.18%; 4 homozygotes.

Submissions 1 to 15 of 20:

CeGaT Center for Human Genetics Tuebingen
Classification: Likely benign. Last evaluated: 2026-09-01. Review status: criteria provided, single submitter. Criteria: CeGaT Center For Human Genetics Tuebingen Variant Classification Criteria Version 2. Collection method: clinical testing. Allele origin: germline. Affected: yes. Observed: 10 variant alleles.
Comment: POLE: BS1

Labcorp Genetics (formerly Invitae), Labcorp
Classification: Likely benign. Last evaluated: 2026-02-03. Review status: criteria provided, single submitter. Criteria: Invitae Variant Classification Sherloc (09022015). Collection method: clinical testing. Allele origin: germline.

Center for Genomic Medicine, Rigshospitalet, Copenhagen University Hospital
Classification: Benign. Last evaluated: 2025-12-29. Review status: criteria provided, single submitter. Criteria: ACMG Guidelines, 2015. Collection method: clinical testing. Allele origin: germline.
Comment: Classification criteria: BA1

Myriad Genetics, Inc.
Classification: Likely benign for Colorectal cancer, susceptibility to, 12. Last evaluated: 2025-02-07. Review status: criteria provided, single submitter. Criteria: Myriad Autosomal Dominant, Autosomal Recessive and X-Linked Classification Criteria (2023). Collection method: clinical testing. Allele origin: unknown.
Comment: This variant is considered likely benign. This variant has been observed at a population frequency that is significantly greater than expected given the associated disease prevalence and penetrance.

Department of Pathology and Laboratory Medicine, Sinai Health System
Classification: Likely benign for Colorectal cancer, susceptibility to, 12; Facial dysmorphism-immunodeficiency-livedo-short stature syndrome; Intrauterine growth retardation, metaphyseal dysplasia, adrenal hypoplasia congenita, genital anomalies, and immunodeficiency. Last evaluated: 2025-01-08. Review status: criteria provided, single submitter. Criteria: ACMG Guidelines, 2015. Collection method: clinical testing. Allele origin: germline. Affected: yes.

Blueprint Genetics
Classification: Likely benign. Last evaluated: 2024-11-07. Review status: criteria provided, single submitter. Criteria: ACMG Guidelines, 2015. Collection method: clinical testing. Allele origin: germline.

Mendelics
Classification: Likely benign for Hereditary cancer. Last evaluated: 2024-01-23. Review status: criteria provided, single submitter. Criteria: ACMG Guidelines, 2015. Collection method: clinical testing. Allele origin: unknown.

Quest Diagnostics Nichols Institute San Juan Capistrano
Classification: Benign. Last evaluated: 2023-01-31. Review status: criteria provided, single submitter. Criteria: Quest Diagnostics criteria. Collection method: clinical testing. Allele origin: unknown.

Institute for Clinical Genetics, University Hospital TU Dresden, University Hospital TU Dresden
Classification: Uncertain significance. Last evaluated: 2021-11-03. Review status: criteria provided, single submitter. Criteria: ACMG Guidelines, 2015. Collection method: clinical testing. Allele origin: germline.

Sema4
Classification: Benign for Hereditary cancer-predisposing syndrome. Last evaluated: 2021-02-04. Review status: criteria provided, single submitter. Criteria: Sema4 Curation Guidelines. Collection method: curation. Allele origin: germline.

GeneDx
Classification: Likely benign. Last evaluated: 2020-08-21. Review status: criteria provided, single submitter. Criteria: GeneDx Variant Classification Process June 2021. Collection method: clinical testing. Allele origin: germline. Affected: yes.
Comment: This variant is associated with the following publications: (PMID: 26648449, 30374176, 30680046, 30971823, 30414346, 29454559, 29120461, 29185122, 28873162, 27720647, 27153395, 25224212, 26251183)

Genetic Services Laboratory, University of Chicago
Classification: Uncertain significance. Last evaluated: 2020-04-20. Review status: criteria provided, single submitter. Criteria: ACMG Guidelines, 2015. Collection method: clinical testing. Allele origin: germline. Affected: no.
Comment: DNA sequence analysis of the POLE gene demonstrated a sequence change, c.861T>A, in exon 9 that results in an amino acid change, p.Asp287Glu. This sequence change has been described in the gnomAD database with a frequency of 0.18% in the European sub-population (dbSNP rs139075637). The p.Asp287Glu change has been reported in one suspected Lynch syndrome patient (PMID: 26648449) and nine melanoma patients (PMID: 30414346). This sequence change has also been reported in three families with cutaneous malignant melanoma; however, incomplete segregation with disease was observed (PMID: 26251183). The p.Asp287Glu change affects a highly conserved amino acid residue located in a domain of the POLE protein that is known to be functional. The p.Asp287Glu substitution appears to be deleterious using several in-silico pathogenicity prediction tools (SIFT, PolyPhen2, Align GVGD, REVEL). Due to these contrasting evidences and the lack of functional studies, the clinical significance of the p.Asp287Glu change remains unknown at this time.

Ambry Genetics
Classification: Likely benign for Hereditary cancer-predisposing syndrome. Last evaluated: 2019-09-26. Review status: criteria provided, single submitter. Criteria: Ambry Variant Classification Scheme 2023. Collection method: clinical testing. Allele origin: germline.

Women's Health and Genetics/Laboratory Corporation of America, LabCorp
Classification: Benign. Last evaluated: 2018-12-04. Review status: criteria provided, single submitter. Criteria: LabCorp Variant Classification Summary - May 2015. Collection method: clinical testing. Allele origin: germline.
Comment: Variant summary: POLE c.861T>A (p.Asp287Glu) results in a conservative amino acid change located in the DNA-directed DNA polymerase, family B, exonuclease domain of the encoded protein sequence. Three of five in-silico tools predict a damaging effect of the variant on protein function. The variant allele was found at a frequency of 0.00083 in 277192 control chromosomes, predominantly at a frequency of 0.0017 within the Non-Finnish European subpopulation in the gnomAD database. The observed variant frequency within Non-Finnish European control individuals in the gnomAD database is approximately 120-folds higher then the estimated maximal expected allele frequency for a pathogenic variant in POLE causing Colorectal Cancer phenotype (1.4e-05), strongly suggesting that the variant is a benign polymorphism found primarily in populations of Non-Finnish European origin. c.861T>A has been reported in the literature in individuals affected with cutaneous malignant melanoma, endometrial cancer and Lynch Syndrome (Aoude_2015, Billingsley_2015, Jansen_2016, Potjer_2018). Two families published by Auode_2015 indicate the variant did not segregate with disease, along with Jansen_2016 reporting a patient with the variant of interest, who had two MLH1 pathogenic somatic variants, c.208-1G>A and c.440_447del. To our knowledge, no experimental evidence demonstrating an impact on protein function has been reported. Eleven ClinVar submissions from clinical diagnostic laboratories (evaluation after 2014) predominantly cite the variant as uncertain significance, while two cite the variant as likely benign. Based on the evidence outlined above, the variant was classified as benign.

University of Washington Department of Laboratory Medicine, University of Washington
Classification: Likely benign for Colorectal cancer, susceptibility to, 12. Last evaluated: 2018-03-28. Review status: criteria provided, single submitter. Criteria: Tsai GJ et al. (Genet Med 2018). Collection method: research. Allele origin: germline. Inheritance: Autosomal dominant inheritance. Affected: yes.
Comment: The POLE variant designated as NM_006231.2:c.861T>A (p.Asp287Glu) is classified as likely benign. This variant has been reported at a frequency of over 1 in 400 individuals in individuals with European non-Finnish ancestry. Variants present at this population frequency are unlikely to be associated with high penetrance hereditary cancer risk. Cosegregation analysis of one observed family was performed and shows a likelihood ratio of pathogenicity of 0.98 to 1 (Thompson, et al., 2003, PMID:2900794). Bayesian analysis integrating all of this data (Tavtigian et al, 2018, PMID: 29300386) gives less than 1% probability of pathogenicity, which is consistent with a classification of likely benign. This variant is not predicted to alter POLE function or modify cancer risk. This analysis was performed in conjunction with the family studies project as part of the University of Washington Find My Variant Study.

NM_006231.4(POLE):c.861T>A (p.Asp287Glu)

Gene: POLE (DNA polymerase epsilon, catalytic subunit; minus strand). Cytogenetic location: 12q24.33.
Variant type: single nucleotide variant.
Coding change: c.861T>A on transcript NM_006231.4 (MANE Select); coding-DNA position 861, T replaced by A.
Protein change: p.Asp287Glu; replaces aspartic acid 287 with glutamic acid.
Molecular consequence: missense variant.
Genome position (GRCh38, 1-based): chr12:132,676,594, A>T on the plus strand (T>A on the coding strand, the complement: POLE is on the minus strand). VCF-style: chr12-132676594-A-T. GRCh37 (hg19) VCF-style: chr12-133253180-A-T.
Other names: short protein forms D287E.
Identifiers: ClinVar variation 221000 (VCV000221000.90), dbSNP rs139075637, ClinGen allele CA350833.